The following is an entry in ClinVar:

NM_000169.3(GLA):c.974del (p.Gly325fs)

Genes: GLA (galactosidase alpha; minus strand), RPL36A-HNRNPH2 (RPL36A-HNRNPH2 readthrough; plus strand). Cytogenetic location: Xq22.1.
Variant type: Deletion.
Coding change: c.974del on transcript NM_000169.3 (MANE Select); coding-DNA position 974, one base deleted (G; older notation c.974delG).
Protein change: p.Gly325fs; shifts the reading frame from glycine 325.
Molecular consequence: frameshift variant. On other transcripts: non-coding transcript variant (3), intron variant (2).
Genome position (GRCh38, 1-based): chrX:101,398,395, C deleted on the plus strand (G on the coding strand, the reverse complement: GLA is on the minus strand); the first of 3 consecutive C bases (chrX:101,398,395-101,398,397); deleting any one gives the same sequence. VCF-style (leftmost placement, unchanged base first): chrX-101398394-GC-G. GRCh37 (hg19) VCF-style: chrX-100653382-GC-G.
Other names: c.1097del, p.Gly366fs (NM_001406747.1); c.974del, p.Gly325fs (NM_001406748.1); c.300+2940del (NM_001199973.2); c.177+6575del (NM_001199974.2); short protein forms G325fs, G366fs.
Identifiers: ClinVar variation 4974832 (VCV004974832.1).
Genomic context (GRCh38, chrX:101,398,394, plus strand): 5'-ATATAAAGCCATCTTAAAATATATACTCTTATTTACCTGTCTAAGCTGGTACCCTTGCTT[GC>G]CCAAGGGGTCCTGATTGATGGCAATTACGTCCTTATCCTGAAGGAGAGCTTTGGCTTGAG-3'

ClinVar aggregate classification (germline): Pathogenic (1 of 4 stars; one submission).

Conditions:
Fabry disease. Also called: Fabry's disease; ALPHA-GALACTOSIDASE A DEFICIENCY; ANDERSON-FABRY DISEASE; CERAMIDE TRIHEXOSIDASE DEFICIENCY; GLA DEFICIENCY; HEREDITARY DYSTOPIC LIPIDOSIS. Identifiers: Orphanet 324, MedGen C0002986, MONDO:0010526, OMIM 301500, HP:0001071. Disease mechanism: Fabry disease is due to inactivating mutations in the X-linked GLA gene resulting in deficiency of the enzyme Alpha Galactosidase-A., loss of function.

Submission:

Genomenon, Inc
Classification: Pathogenic for Fabry disease. Last evaluated: 2026-09-08. Review status: criteria provided, single submitter. Criteria: Genomenon Sequence Variant Interpretation Standards - Updated. Collection method: curation. Allele origin: germline. Affected: yes.
Comment: GLA p.Gly325AlafsTer23 (c.974del) is a frameshift variant that is predicted to introduce a premature termination codon and result in a truncated or absent protein product. This variant has been observed in at least one proband with clinical features consistent with Fabry disease (PMID:22176145). Functional or patient cell studies have been reported (PMID:22176145). It is absent or not present at a significant frequency in gnomAD. In conclusion, we classify GLA p.Gly325AlafsTer23 (c.974del) as a pathogenic variant.

Literature cited by the submitters: PubMed 22176145.